The following is an entry in ClinVar:

NM_024675.4(PALB2):c.2041A>T (p.Lys681Ter)

Gene: PALB2 (partner and localizer of BRCA2; minus strand). Cytogenetic location: 16p12.2.
Variant type: single nucleotide variant.
Coding change: c.2041A>T on transcript NM_024675.4 (MANE Select); coding-DNA position 2041, A replaced by T.
Protein change: p.Lys681Ter; replaces lysine 681 with a stop codon.
Molecular consequence: nonsense.
Genome position (GRCh38, 1-based): chr16:23,630,113, T>A on the plus strand (A>T on the coding strand, the complement: PALB2 is on the minus strand). VCF-style: chr16-23630113-T-A. GRCh37 (hg19) VCF-style: chr16-23641434-T-A.
Other names: short protein forms K681*.
Identifiers: ClinVar variation 1074762 (VCV001074762.8), dbSNP rs2142382651, ClinGen allele CA395126895.

ClinVar aggregate classification (germline): Pathogenic (1 of 4 stars; one submission).

Conditions:
Familial cancer of breast. Also called: hereditary breast carcinoma; Hereditary breast cancer; BREAST CANCER, FAMILIAL. Identifiers: Orphanet 227535, MedGen C0346153, MONDO:0016419, OMIM 114480. Disease mechanism: loss of function.

Submission:

Labcorp Genetics (formerly Invitae), Labcorp
Classification: Pathogenic for Familial cancer of breast. Last evaluated: 2020-09-09. Review status: criteria provided, single submitter. Criteria: Invitae Variant Classification Sherloc (09022015). Collection method: clinical testing. Allele origin: germline.
Comment: For these reasons, this variant has been classified as Pathogenic. Loss-of-function variants in PALB2 are known to be pathogenic (PMID: 17200668, 24136930, 25099575). This variant has not been reported in the literature in individuals with PALB2-related conditions. This variant is not present in population databases (ExAC no frequency). This sequence change creates a premature translational stop signal (p.Lys681*) in the PALB2 gene. It is expected to result in an absent or disrupted protein product.

Literature cited by the submitters: PubMed 17200668; PubMed 24136930; PubMed 25099575.